The following is an entry in ClinVar:

NM_003126.4(SPTA1):c.4823G>A (p.Arg1608His)

Gene: SPTA1 (spectrin alpha, erythrocytic 1; minus strand). Cytogenetic location: 1q23.1.
Variant type: single nucleotide variant.
Coding change: c.4823G>A on transcript NM_003126.4 (MANE Select); coding-DNA position 4823, G replaced by A.
Protein change: p.Arg1608His; replaces arginine 1608 with histidine.
Molecular consequence: missense variant.
Genome position (GRCh38, 1-based): chr1:158,639,922, C>T on the plus strand (G>A on the coding strand, the complement: SPTA1 is on the minus strand). VCF-style: chr1-158639922-C-T. GRCh37 (hg19) VCF-style: chr1-158609712-C-T.
Other names: c.4823G>A (NM_003126.2); short protein forms R1608H.
Identifiers: ClinVar variation 1676964 (VCV001676964.3), dbSNP rs781244377, ClinGen allele CA1182548.

ClinVar aggregate classification (germline): Conflicting classifications of pathogenicity. Review status: criteria provided, conflicting classifications (1 of 4 stars). 3 submissions from 3 submitters: Likely pathogenic (1); Uncertain significance (2). Last evaluated 2024-03-11.

Conditions:
Hereditary spherocytosis type 3. Also called: Spherocytosis type 3; SPTA1-Related Spherocytosis. Identifiers: Orphanet 822, MedGen C2678338, MONDO:0010053, OMIM 270970.

Allele frequency attached by ClinVar (database versions not stated): ExAC 0.00007.
gnomAD v4.1: 30 of 1,613,798 alleles (0.0019%); highest among the groups gnomAD compares: East Asian, 0.016%; no homozygotes.

Submissions (3):

Revvity Omics, Revvity
Classification: Uncertain significance. Last evaluated: 2024-03-11. Review status: criteria provided, single submitter. Criteria: ACMG Guidelines, 2015. Collection method: clinical testing. Allele origin: germline.

GeneDx
Classification: Uncertain significance. Last evaluated: 2024-03-07. Review status: criteria provided, single submitter. Criteria: GeneDx Variant Classification Process June 2021. Collection method: clinical testing. Allele origin: germline. Affected: yes.
Comment: Identified heterozygous in an individual with hereditary spherocytosis, however a second SPTA1 variant was not reported (PMID: 36203343); In silico analysis supports that this missense variant has a deleterious effect on protein structure/function; This variant is associated with the following publications: (PMID: 32422580, 36203343)

Jiangsu Institute of Hematology, the First Affiliated Hospital of Soochow University
Classification: Likely pathogenic for Hereditary spherocytosis type 3. Last evaluated: 2022-03-01. Review status: criteria provided, single submitter. Criteria: ACMG Guidelines, 2015. Collection method: research. Allele origin: inherited. Affected: yes.